The following is an entry in ClinVar:

NM_020458.4(TTC7A):c.2018-99G>T

Gene: TTC7A (tetratricopeptide repeat domain 7A; plus strand). Cytogenetic location: 2p21.
Variant type: single nucleotide variant.
Coding change: c.2018-99G>T on transcript NM_020458.4 (MANE Select); 99 bases into the intron before coding-DNA position 2018, G replaced by T.
Molecular consequence: intron variant.
Genome position (GRCh38, 1-based): chr2:47,051,647, G>T. VCF-style: chr2-47051647-G-T. GRCh37 (hg19) VCF-style: chr2-47278786-G-T.
Other names: c.1916-99G>T (NM_001288953.2); c.2090-99G>T (NM_001288951.2); c.956-99G>T (NM_001288955.2).
Identifiers: ClinVar variation 1228930 (VCV001228930.6), dbSNP rs34012189, ClinGen allele CA11249814.
Genomic context (GRCh38, chr2:47,051,647, plus strand): 5'-CTAGTGGGTCTGTGAGCTGCTTTCTGGCTGCCCAGCCGCACCACCCTACCCTGATTCAGG[G>T]TGCCCTGTCTCCCCATGGTGCTGGGCAATGACTGCTCCTGGGGCCTGCAACGTGTGGACC-3'

ClinVar aggregate classification (germline): Benign. Review status: criteria provided, multiple submitters, no conflicts (2 of 4 stars). 3 submissions from 3 submitters: Benign (3). Last evaluated 2024-01-24.

Allele frequency attached by ClinVar (database versions not stated): gnomAD exomes 0.18714; 1000 Genomes Project 30x 0.12945; 1000 Genomes Project 0.13019; TOPMed 0.17346; gnomAD 0.17650 and 0.18069.
gnomAD v4.1: 268,321 of 1,444,268 alleles (19%); highest among the groups gnomAD compares: Non-Finnish European, 20%; 26,039 homozygotes.

Submissions (3):

Unidad de Genómica Garrahan, Hospital de Pediatría Garrahan
Classification: Benign. Last evaluated: 2024-01-24. Review status: criteria provided, single submitter. Criteria: ACMG Guidelines, 2015. Collection method: clinical testing. Allele origin: germline. Affected: no. Observed: 31 variant alleles.
Comment: This variant is classified as Benign based on local population frequency. This variant was detected in 33% of patients studied by a panel of primary immunodeficiencies. Number of patients: 31. Only high quality variants are reported.

GeneDx
Classification: Benign. Last evaluated: 2018-07-09. Review status: criteria provided, single submitter. Criteria: GeneDx Variant Classification Process June 2021. Collection method: clinical testing. Allele origin: germline. Affected: yes.

Breakthrough Genomics
Classification: Benign. Review status: criteria provided, single submitter. Criteria: ACMG Guidelines, 2015. Collection method: not provided. Allele origin: germline. Inheritance: Autosomal recessive inheritance. Affected: yes.